The following is an entry in ClinVar:

ClinVar aggregate classification (germline): Benign/Likely benign. Review status: criteria provided, multiple submitters, no conflicts (2 of 4 stars). 8 submissions from 8 submitters: Benign (5); Likely benign (3). Last evaluated 2026-02-02.

Conditions:
Fanconi anemia (FA). Also called: Fanconi's anemia. Identifiers: Orphanet 84, MedGen C0015625, MeSH D005199, MONDO:0019391.
Fanconi anemia complementation group I (FANCI). Also called: FANCI-Related Fanconi Anemia. Identifiers: Orphanet 84, MedGen C1836861, MONDO:0012186, OMIM 609053.

Allele frequency attached by ClinVar (database versions not stated): gnomAD exomes 0.00162; ExAC 0.00199; gnomAD 0.00467 and 0.00498; ESP Exome Variant Server 0.00477; TOPMed 0.00518; 1000 Genomes Project 0.00759; 1000 Genomes Project 30x 0.00812.
gnomAD v4.1: 1,787 of 1,613,992 alleles (0.11%); highest among the groups gnomAD compares: African/African-American, 1.6%; 12 homozygotes.

Submissions (11):

Labcorp Genetics (formerly Invitae), Labcorp
Classification: Benign for Fanconi anemia. Last evaluated: 2026-02-02. Review status: criteria provided, single submitter. Criteria: Invitae Variant Classification Sherloc (09022015). Collection method: clinical testing. Allele origin: germline.

Genomic Medicine Center of Excellence, King Faisal Specialist Hospital and Research Centre
Classification: Likely benign. Last evaluated: 2025-08-18. Review status: criteria provided, single submitter. Criteria: ACMG Guidelines, 2015. Collection method: clinical testing. Allele origin: germline.

ARUP Laboratories, Molecular Genetics and Genomics, ARUP Laboratories
Classification: Benign for Fanconi anemia complementation group I. Last evaluated: 2025-04-16. Review status: criteria provided, single submitter. Criteria: ARUP Molecular Germline Variant Investigation Process 2024. Collection method: clinical testing. Allele origin: germline.

Blueprint Genetics
Classification: Likely benign. Last evaluated: 2024-11-27. Review status: criteria provided, single submitter. Criteria: ACMG Guidelines, 2015. Collection method: clinical testing. Allele origin: germline.

KCCC/NGS Laboratory, Kuwait Cancer Control Center
Classification: Benign for Fanconi anemia complementation group I. Last evaluated: 2023-07-07. Review status: criteria provided, single submitter. Criteria: ACMG Guidelines, 2015. Collection method: clinical testing. Allele origin: germline. Affected: yes.

Fulgent Genetics
Classification: Likely benign for Fanconi anemia complementation group I. Last evaluated: 2021-07-24. Review status: criteria provided, single submitter. Criteria: ACMG Guidelines, 2015. Collection method: clinical testing. Allele origin: unknown.

Illumina Laboratory Services, Illumina
Classification: Benign for Fanconi anemia complementation group I. Last evaluated: 2017-04-27. Review status: criteria provided, single submitter. Criteria: ICSL Variant Classification Criteria 13 December 2019. Collection method: clinical testing. Allele origin: germline.
Comment: This variant was observed as part of a predisposition screen in an ostensibly healthy population. A literature search was performed for the gene, cDNA change, and amino acid change (where applicable). No publications were found based on this search. Allele frequency data from public databases was too high to be consistent with this variant causing disease. Therefore, this variant is classified as benign.

Breakthrough Genomics
Classification: Benign. Review status: criteria provided, single submitter. Criteria: ACMG Guidelines, 2015. Collection method: not provided. Allele origin: germline. Inheritance: Autosomal recessive inheritance. Affected: yes.

Dr. Peter K. Rogan Lab, Western University
No classification provided (evidence only). Condition: Acute myeloid leukemia. Review status: no classification provided. Collection method: in vitro. Allele origin: not applicable. Functional consequence: retained intron. Not counted in ClinVar's aggregate classification.

Dr. Peter K. Rogan Lab, Western University
No classification provided (evidence only). Condition: Cervical cancer. Review status: no classification provided. Collection method: in vitro. Allele origin: not applicable. Functional consequence: retained intron. Not counted in ClinVar's aggregate classification.

Dr. Peter K. Rogan Lab, Western University
No classification provided (evidence only). Condition: Sarcoma. Review status: no classification provided. Collection method: in vitro. Allele origin: not applicable. Functional consequence: retained intron. Not counted in ClinVar's aggregate classification.

NM_001113378.2(FANCI):c.1699-7C>A

Gene: FANCI (FA complementation group I; plus strand). Cytogenetic location: 15q26.1.
Variant type: single nucleotide variant.
Coding change: c.1699-7C>A on transcript NM_001113378.2 (MANE Select); 7 bases into the intron before coding-DNA position 1699, C replaced by A.
Molecular consequence: intron variant.
Genome position (GRCh38, 1-based): chr15:89,285,089, C>A. VCF-style: chr15-89285089-C-A. GRCh37 (hg19) VCF-style: chr15-89828320-C-A.
Other names: c.1699-7C>A (NM_018193.3, NM_001376911.1); c.1420-7C>A (NM_001376910.1).
Identifiers: ClinVar variation 414866 (VCV000414866.23), dbSNP rs28446881, ClinGen allele CA7723126.